The following is an entry in ClinVar:

ClinVar aggregate classification (germline): Uncertain significance. Review status: criteria provided, multiple submitters, no conflicts (2 of 4 stars). 7 submissions from 2 submitters: Uncertain significance (7). Last evaluated 2024-09-06.

Conditions:
Progeroid and marfanoid aspect-lipodystrophy syndrome. Also called: MARFANOID-PROGEROID SYNDROME; MARFAN-PROGEROID-LIPODYSTROPHY SYNDROME; Marfan lipodystrophy syndrome; MARFANOID-PROGEROID-LIPODYSTROPHY SYNDROME. Identifiers: Orphanet 300382, MedGen C4310796, MONDO:0014831, OMIM 616914.
Familial thoracic aortic aneurysm and aortic dissection (TAAD). Also called: Thoracic aortic aneurysms and dissections. Identifiers: Orphanet 91387, MedGen C4707243, MONDO:0019625.
Marfan syndrome (MFS). Also called: Marfan syndrome type 1; Marfan syndrome, classic; Marfan's syndrome; FBN1-Related Marfan Syndrome; MARFAN SYNDROME, TYPE I. Identifiers: Orphanet 284963, Orphanet 558, MedGen C0024796, MONDO:0007947, OMIM 154700.
Geleophysic dysplasia 2 (GPHYSD2). Identifiers: Orphanet 2623, MedGen C3280054, MONDO:0013612, OMIM 614185.
Ectopia lentis 1, isolated, autosomal dominant (ECTOL1). Identifiers: Orphanet 1885, MedGen C3541518, MONDO:0007514, OMIM 129600.
Stiff skin syndrome (SSKS). Identifiers: Orphanet 2833, MedGen C1861456, MONDO:0008492, OMIM 184900.
Acromicric dysplasia (ACMICD). Also called: Acromicric skeletal dysplasia. Identifiers: Orphanet 969, MedGen C0265287, MONDO:0007055, OMIM 102370.

Submissions (7):

Labcorp Genetics (formerly Invitae), Labcorp
Classification: Uncertain significance for Marfan syndrome; Familial thoracic aortic aneurysm and aortic dissection. Last evaluated: 2024-09-06. Review status: criteria provided, single submitter. Criteria: Invitae Variant Classification Sherloc (09022015). Collection method: clinical testing. Allele origin: germline.
Comment: This sequence change replaces glutamic acid, which is acidic and polar, with glycine, which is neutral and non-polar, at codon 2713 of the FBN1 protein (p.Glu2713Gly). This variant is not present in population databases (gnomAD no frequency). This variant has not been reported in the literature in individuals affected with FBN1-related conditions. ClinVar contains an entry for this variant (Variation ID: 548587). Invitae Evidence Modeling of protein sequence and biophysical properties (such as structural, functional, and spatial information, amino acid conservation, physicochemical variation, residue mobility, and thermodynamic stability) indicates that this missense variant is expected to disrupt FBN1 protein function with a positive predictive value of 95%. In summary, the available evidence is currently insufficient to determine the role of this variant in disease. Therefore, it has been classified as a Variant of Uncertain Significance.

Genomic Research Center, Shahid Beheshti University of Medical Sciences
Classification: Uncertain significance for Marfan syndrome. Last evaluated: 2018-03-05. Review status: criteria provided, single submitter. Criteria: ACMG Guidelines, 2015. Collection method: clinical testing. Allele origin: inherited. Affected: yes. Observed: 1 variant allele.

Genomic Research Center, Shahid Beheshti University of Medical Sciences
Classification: Uncertain significance for Isolated ectopia lentis. Last evaluated: 2018-03-05. Review status: criteria provided, single submitter. Criteria: ACMG Guidelines, 2015. Collection method: clinical testing. Allele origin: inherited. Affected: yes. Observed: 1 variant allele.

Genomic Research Center, Shahid Beheshti University of Medical Sciences
Classification: Uncertain significance for Stiff skin syndrome. Last evaluated: 2018-03-05. Review status: criteria provided, single submitter. Criteria: ACMG Guidelines, 2015. Collection method: clinical testing. Allele origin: inherited. Affected: yes. Observed: 1 variant allele.

Genomic Research Center, Shahid Beheshti University of Medical Sciences
Classification: Uncertain significance for Geleophysic dysplasia 2. Last evaluated: 2018-03-05. Review status: criteria provided, single submitter. Criteria: ACMG Guidelines, 2015. Collection method: clinical testing. Allele origin: inherited. Affected: yes. Observed: 1 variant allele.

Genomic Research Center, Shahid Beheshti University of Medical Sciences
Classification: Uncertain significance for Acromicric dysplasia. Last evaluated: 2018-03-05. Review status: criteria provided, single submitter. Criteria: ACMG Guidelines, 2015. Collection method: clinical testing. Allele origin: inherited. Affected: yes. Observed: 1 variant allele.

Genomic Research Center, Shahid Beheshti University of Medical Sciences
Classification: Uncertain significance for Progeroid and marfanoid aspect-lipodystrophy syndrome. Last evaluated: 2018-03-05. Review status: criteria provided, single submitter. Criteria: ACMG Guidelines, 2015. Collection method: clinical testing. Allele origin: inherited. Affected: yes. Observed: 1 variant allele.

NM_000138.5(FBN1):c.8138A>G (p.Glu2713Gly)

Gene: FBN1 (fibrillin 1; minus strand). Cytogenetic location: 15q21.1.
Variant type: single nucleotide variant.
Coding change: c.8138A>G on transcript NM_000138.5 (MANE Select); coding-DNA position 8138, A replaced by G.
Protein change: p.Glu2713Gly; replaces glutamic acid 2713 with glycine.
Molecular consequence: missense variant.
Genome position (GRCh38, 1-based): chr15:48,412,657, T>C on the plus strand (A>G on the coding strand, the complement: FBN1 is on the minus strand). VCF-style: chr15-48412657-T-C. GRCh37 (hg19) VCF-style: chr15-48704854-T-C.
Other names: short protein forms E2713G.
Identifiers: ClinVar variation 548587 (VCV000548587.8), dbSNP rs1555393658, ClinGen allele CA392321205.